The following is an entry in ClinVar:

ClinVar aggregate classification (germline): Pathogenic/Likely pathogenic. Review status: criteria provided, multiple submitters, no conflicts (2 of 4 stars). 3 submissions from 3 submitters: Pathogenic (2); Likely pathogenic (1). Last evaluated 2025-08-21.

Conditions:
SFTPC-related disorder. Also called: SFTPC-related condition.
Surfactant metabolism dysfunction, pulmonary, 2 (SMDP2). Also called: DESQUAMATIVE INTERSTITIAL PNEUMONITIS DUE TO SURFACTANT PROTEIN C DEFICIENCY; INTERSTITIAL LUNG DISEASE DUE TO SURFACTANT PROTEIN C DEFICIENCY; PULMONARY ALVEOLAR PROTEINOSIS, CONGENITAL, 2. Identifiers: Orphanet 440392, MedGen C1970470, MONDO:0024465, OMIM 610913.

Submissions (3):

Labcorp Genetics (formerly Invitae), Labcorp
Classification: Pathogenic. Last evaluated: 2025-08-21. Review status: criteria provided, single submitter. Criteria: Invitae Variant Classification Sherloc (09022015). Collection method: clinical testing. Allele origin: germline.
Comment: This sequence change affects a donor splice site in intron 4 of the SFTPC gene. RNA analysis indicates that disruption of this splice site induces altered splicing and likely results in a shortened protein product. This variant is not present in population databases (gnomAD no frequency). Disruption of this splice site has been observed in individuals with SFTPC-related conditions (PMID: 20656946, 34589332; internal data). This variant is also known as IVS4+2. ClinVar contains an entry for this variant (Variation ID: 1492510). Studies have shown that disruption of this splice site results in skipping of exon 4, but is expected to preserve the integrity of the reading-frame (PMID: 20656946). For these reasons, this variant has been classified as Pathogenic.

Victorian Clinical Genetics Services, Murdoch Childrens Research Institute
Classification: Pathogenic for Surfactant metabolism dysfunction, pulmonary, 2. Last evaluated: 2024-10-09. Review status: criteria provided, single submitter. Criteria: ACMG Guidelines, 2015. Collection method: clinical testing. Allele origin: germline. Inheritance: Autosomal dominant inheritance. Affected: yes.
Comment: Based on the classification scheme VCGS_Germline_v1.3.5, this variant is classified as Pathogenic. Following criteria are met: 0105 - The mechanism of disease for this gene is not clearly established. (I) 0107 - This gene is associated with autosomal dominant disease. (I) 0112 - The condition associated with this gene has incomplete penetrance. Reduced penetrance has been seen in families with varying severity of lung disease (PMID: 20656946). (I) 0210 - Splice site variant proven to affect splicing of the transcript with a known effect on protein sequence. This variant has been demonstrated to cause mis-splicing and the skipping of exon 4, which is an inframe exon (PMID: 20656946). (SP) 0251 - This variant is heterozygous. (I) 0301 - Variant is absent from gnomAD (v2, v3 and v4). (SP) 0600 - Variant is located in the annotated BRICHOS domain (DECIPHER). (I) 0704 - Another splice site variant comparable to the one identified in this case has limited previous evidence for pathogenicity. c.435+1G>A (also known as c.460+1G>A) has been reported in an individual with familial interstitial lung disease (PMID: 11207353). (SP) 0802 - This variant has moderate previous evidence of pathogenicity in unrelated individuals. This variant has been reported in two individuals from a family with familial interstitial lung disease (PMID: 20656946). It has also been reported in an individual with childhood interstitial lung disease secondary to SP-C deficiency (PMID: 34589332). (SP) 1002 - This variant has moderate functional evidence supporting abnormal protein function. Cell trafficking studies using transfected cells expressing SFTPC with an exon four deletion revealed mutant protein did not correctly localise to cytosolic vesicles and instead was retained in the endoplasmic reticulum (PMID: 28295039). (I) Legend: (SP) - Supporting pathogenic, (I) - Information, (SB) - Supporting benign

Blueprint Genetics
Classification: Likely pathogenic for SFTPC-related disorders. Last evaluated: 2023-09-05. Review status: criteria provided, single submitter. Criteria: ACMG Guidelines, 2015. Collection method: clinical testing. Allele origin: germline. Affected: yes. Observed: 1 variant allele.

Literature cited by the submitters: PubMed 20656946 (cited by Labcorp Genetics (formerly Invitae), Labcorp and Victorian Clinical Genetics Services, Murdoch Childrens Research Institute); PubMed 34589332 (cited by Labcorp Genetics (formerly Invitae), Labcorp and Victorian Clinical Genetics Services, Murdoch Childrens Research Institute); PubMed 11207353 (cited by Victorian Clinical Genetics Services, Murdoch Childrens Research Institute); PubMed 28295039 (cited by Victorian Clinical Genetics Services, Murdoch Childrens Research Institute).

NM_001317778.2(SFTPC):c.435+2T>C

Gene: SFTPC (surfactant protein C; plus strand). Cytogenetic location: 8p21.3.
Variant type: single nucleotide variant.
Coding change: c.435+2T>C on transcript NM_001317778.2 (MANE Select); the canonical splice donor site of the intron after coding-DNA position 435, T replaced by C.
Molecular consequence: splice donor variant.
Genome position (GRCh38, 1-based): chr8:22,163,548, T>C. VCF-style: chr8-22163548-T-C. GRCh37 (hg19) VCF-style: chr8-22021061-T-C.
Other names: c.276+2T>C (NM_001317779.2, NM_001385660.1); c.435+2T>C (NM_001172410.2, NM_001172357.2, NM_001317780.2 and 9 more transcripts).
Identifiers: ClinVar variation 1492510 (VCV001492510.10), dbSNP rs2131819081, ClinGen allele CA370537950.
Genomic context (GRCh38, chr8:22,163,548, plus strand): 5'-TAGCTCCAGAGAGCATCCCCAGTCTTGAGGCTCTCACTAGAAAAGTCCACAACTTCCAGG[T>C]GTGTGTGTGTGGGTGAAAAGAGTGGGCTGTCTCCCTCCCAGGGCTGCTGGGAGGAGTGTC-3'